The following is an entry in ClinVar:

ClinVar aggregate classification (germline): Uncertain significance (1 of 4 stars; one submission).

Allele frequency attached by ClinVar (database versions not stated): gnomAD 0.00001.
gnomAD v4.1: 1 of 1,601,362 alleles (0.000062%); highest among the groups gnomAD compares: Admixed American, 0.0017%; no homozygotes.

Submission:

Labcorp Genetics (formerly Invitae), Labcorp
Classification: Uncertain significance. Last evaluated: 2025-04-14. Review status: criteria provided, single submitter. Criteria: Invitae Variant Classification Sherloc (09022015). Collection method: clinical testing. Allele origin: germline.
Comment: This sequence change replaces serine, which is neutral and polar, with asparagine, which is neutral and polar, at codon 121 of the TNFRSF11A protein (p.Ser121Asn). This variant is not present in population databases (gnomAD no frequency). This variant has not been reported in the literature in individuals affected with TNFRSF11A-related conditions. ClinVar contains an entry for this variant (Variation ID: 1513289). Invitae Evidence Modeling of protein sequence and biophysical properties (such as structural, functional, and spatial information, amino acid conservation, physicochemical variation, residue mobility, and thermodynamic stability) indicates that this missense variant is not expected to disrupt TNFRSF11A protein function with a negative predictive value of 80%. In summary, the available evidence is currently insufficient to determine the role of this variant in disease. Therefore, it has been classified as a Variant of Uncertain Significance.

NM_003839.4(TNFRSF11A):c.362G>A (p.Ser121Asn)

Gene: TNFRSF11A (TNF receptor superfamily member 11a; plus strand). Cytogenetic location: 18q21.33.
Variant type: single nucleotide variant.
Coding change: c.362G>A on transcript NM_003839.4 (MANE Select); coding-DNA position 362, G replaced by A.
Protein change: p.Ser121Asn; replaces serine 121 with asparagine.
Molecular consequence: missense variant.
Genome position (GRCh38, 1-based): chr18:62,354,469, G>A. VCF-style: chr18-62354469-G-A. GRCh37 (hg19) VCF-style: chr18-60021702-G-A.
Other names: c.362G>A, p.Ser121Asn (NM_001270949.2, NM_001270950.2, NM_001270951.2 and 1 more transcripts); short protein forms S121N.
Identifiers: ClinVar variation 1513289 (VCV001513289.8), dbSNP rs1909094726, ClinGen allele CA402612237.